The following is an entry in ClinVar:

ClinVar aggregate classification (germline): Uncertain significance. Review status: criteria provided, multiple submitters, no conflicts (2 of 4 stars). 2 submissions from 2 submitters: Uncertain significance (2). Last evaluated 2023-10-03.

Conditions:
POGZ-related disorder. Also called: POGZ-related condition.

Allele frequency attached by ClinVar (database versions not stated): gnomAD exomes below 0.00001.
gnomAD v4.1: 2 of 1,614,114 alleles (0.00012%); highest among the groups gnomAD compares: Non-Finnish European, 0.00017%; no homozygotes.

Submissions (2):

PreventionGenetics, part of Exact Sciences
Classification: Uncertain significance for POGZ-related condition. Last evaluated: 2023-10-03. Review status: criteria provided, single submitter. Criteria: ACMG Guidelines, 2015. Collection method: clinical testing. Allele origin: germline.
Comment: The POGZ c.2030A>G variant is predicted to result in the amino acid substitution p.Lys677Arg. To our knowledge, this variant has not been reported in the literature or in a large population database, indicating this variant is rare. At this time, the clinical significance of this variant is uncertain due to the absence of conclusive functional and genetic evidence.

CeGaT Center for Human Genetics Tuebingen
Classification: Uncertain significance. Last evaluated: 2023-08-01. Review status: criteria provided, single submitter. Criteria: CeGaT Center For Human Genetics Tuebingen Variant Classification Criteria Version 2. Collection method: clinical testing. Allele origin: germline. Affected: yes. Observed: 2 variant alleles.
Comment: POGZ: PM2, PP2

NM_015100.4(POGZ):c.2030A>G (p.Lys677Arg)

Gene: POGZ (pogo transposable element derived with ZNF domain; minus strand). Cytogenetic location: 1q21.3.
Variant type: single nucleotide variant.
Coding change: c.2030A>G on transcript NM_015100.4 (MANE Select); coding-DNA position 2030, A replaced by G.
Protein change: p.Lys677Arg; replaces lysine 677 with arginine.
Molecular consequence: missense variant.
Genome position (GRCh38, 1-based): chr1:151,408,725, T>C on the plus strand (A>G on the coding strand, the complement: POGZ is on the minus strand). VCF-style: chr1-151408725-T-C. GRCh37 (hg19) VCF-style: chr1-151381201-T-C.
Other names: c.2030A>G (NM_015100.3); c.2003A>G, p.Lys668Arg (NM_001194937.2); c.1844A>G, p.Lys615Arg (NM_001194938.2); c.2051A>G, p.Lys684Arg (NM_001410860.1); c.1745A>G, p.Lys582Arg (NM_145796.4); c.1871A>G, p.Lys624Arg (NM_207171.2); short protein forms K582R, K615R, K624R, K668R, K677R, K684R.
Identifiers: ClinVar variation 1879093 (VCV001879093.29), dbSNP rs2529247900, ClinGen allele CA341959399.